The following is an entry in ClinVar:

NM_018518.5(MCM10):c.931-47G>T

Gene: MCM10 (minichromosome maintenance 10 replication initiation factor; plus strand). Cytogenetic location: 10p13.
Variant type: single nucleotide variant.
Coding change: c.931-47G>T on transcript NM_018518.5 (MANE Select); 47 bases into the intron before coding-DNA position 931, G replaced by T.
Molecular consequence: intron variant.
Genome position (GRCh38, 1-based): chr10:13,182,886, G>T. VCF-style: chr10-13182886-G-T. GRCh37 (hg19) VCF-style: chr10-13224886-G-T.
Other names: c.934-47G>T (NM_182751.3).
Identifiers: ClinVar variation 2688173 (VCV002688173.2), dbSNP rs3765520, ClinGen allele CA5411363.
Genomic context (GRCh38, chr10:13,182,886, plus strand): 5'-TTTTATGGATTATAGGCATATAGTTTTCCATAGTAAAACTCTTGAATCATAAATGAGGAC[G>T]GCATAACCTACAGTTCAAAATTATAAAAAATAACTATTTGTTCCAGGGAAAAACCTTCAG-3'

ClinVar aggregate classification (germline): Benign (1 of 4 stars; one submission).

Allele frequency attached by ClinVar (database versions not stated): TOPMed 0.27071; 1000 Genomes Project 30x 0.28373; ESP Exome Variant Server 0.28879; 1000 Genomes Project 0.28934.
gnomAD v4.1: 444,128 of 1,442,074 alleles (31%); highest among the groups gnomAD compares: East Asian, 42%; 69,763 homozygotes.

Submission:

Unidad de Genómica Garrahan, Hospital de Pediatría Garrahan
Classification: Benign. Last evaluated: 2024-01-24. Review status: criteria provided, single submitter. Criteria: ACMG Guidelines, 2015. Collection method: clinical testing. Allele origin: germline. Affected: no. Observed: 40 variant alleles.
Comment: This variant is classified as Benign based on local population frequency. This variant was detected in 42% of patients studied by a panel of primary immunodeficiencies. Number of patients: 40. Only high quality variants are reported.